The following continues an entry in ClinVar:

NM_002834.5(PTPN11):c.228G>C (p.Glu76Asp)

Gene: PTPN11. ClinVar aggregate classification (germline): Pathogenic. Pathogenic (10).

Submissions 7 to 10 of 10:

Ambry Genetics
Classification: Pathogenic for Cardiovascular phenotype. Last evaluated: 2019-11-11. Review status: criteria provided, single submitter. Criteria: Ambry Variant Classification Scheme 2023. Collection method: clinical testing. Allele origin: germline.
Comment: The p.E76D pathogenic mutation (also known as c.228G>C), located in coding exon 3 of the PTPN11 gene, results from a G to C substitution at nucleotide position 228. The glutamic acid at codon 76 is replaced by aspartic acid, an amino acid with highly similar properties. This mutation has been reported in multiple individuals with Noonan syndrome (Tartaglia M et al. Am. J. Hum. Genet., 2006 Feb;78:279-90; Ferrero GB et al. Eur J Med Genet Jul;51:566-72). An alternate nucleotide change, c.228G>T, resulting in the same amino acid substitution p.E76D, has also been detected in Noonan syndrome cohorts (Musante L et al. Eur. J. Hum. Genet., 2003 Feb;11:201-6; Binder G et al. J. Clin. Endocrinol. Metab., 2005 Sep;90:5377-81; Tartaglia M et al. Am. J. Hum. Genet., 2006 Feb;78:279-90). Functional studies have shown that p.E76D leads to increased phosphatase activity (Tartaglia M et al. Am. J. Hum. Genet., 2006 Feb;78:279-90; Keilhack H et al. J. Biol. Chem., 2005 Sep;280:30984-93). Based on the supporting evidence, this alteration is interpreted as a disease-causing mutation.

Women's Health and Genetics/Laboratory Corporation of America, LabCorp
Classification: Pathogenic for Rasopathy. Last evaluated: 2017-12-26. Review status: criteria provided, single submitter. Criteria: LabCorp Variant Classification Summary - May 2015. Collection method: clinical testing. Allele origin: germline.
Comment: Variant summary: The PTPN11 c.228G>C (p.Glu76Asp) variant involves the alteration of a conserved nucleotide located at the SH2 domain of the protein (InterPro, Keilhack _2005, Edouard_2010). 3/4 in silico tools predict a damaging outcome for this variant (SNPsandGO not captured due to low reliability index). This variant is absent in 215446 control chromosomes (gnomAD). This variant has been reported in many individuals with NS (Tartaglia_2001, Aoki_2008). In addition, multiple clinical diagnostic laboratories/reputable databases classified this variant as pathogenic. Functional studies showed variant with mild (2.5-3.1 fold) basal activation compared with WT (Keilhack _2005 and Niihori_2005). A variant involving the same nucleotide, c.228G>T, leading to the same codon change E76D, has been reported in affected individuals and was classified as pathogenic by our lab, suggesting the functional importance of this codon. Taken together, this variant is classified as pathogenic.

Laboratory for Molecular Medicine, Mass General Brigham Personalized Medicine
Classification: Pathogenic for Noonan syndrome. Last evaluated: 2011-10-05. Review status: criteria provided, single submitter. Criteria: LMM Criteria. Collection method: clinical testing. Allele origin: germline. Observed: 3 variant alleles.
Comment: The Glu76Asp variant has been reported in at least 7 individuals with clinical f eatures of Noonan syndrome (Tartaglia 2006, Tartaglia 2001). Therefore, this var iant is highly likely to be pathogenic. The presence of a heterozygous pathogeni c variant in PTPN11 is consistent with a diagnosis of Noonan syndrome but this i nformation should be reconciled with the complete clinical history of this indiv idual.

Institute for Genomic Statistics and Bioinformatics, University Hospital Bonn
Classification: Pathogenic for Noonan syndrome 1. Review status: criteria provided, single submitter. Criteria: ACMG Guidelines, 2015. Collection method: clinical testing. Allele origin: unknown. Affected: yes. Observed: 1 variant allele.

Literature cited by the submitters: PubMed 11704759 (cited by 5 submitters); PubMed 12634870 (cited by 3 submitters); PubMed 16830086 (cited by 3 submitters); PubMed 18678287 (cited by 3 submitters); PubMed 22190897 (cited by Variantyx, Inc. and Labcorp Genetics (formerly Invitae), Labcorp); PubMed 17177198 (cited by Variantyx, Inc. and Labcorp Genetics (formerly Invitae), Labcorp); PubMed 34643321 (cited by Variantyx, Inc.); PubMed 31560489 (cited by Variantyx, Inc.); PubMed 38540404 (cited by Variantyx, Inc.); PubMed 21482541 (cited by 3billion); PubMed 16358218 (cited by 3 submitters); PubMed 19077116 (cited by Labcorp Genetics (formerly Invitae), Labcorp); PubMed 15834506 (cited by Labcorp Genetics (formerly Invitae), Labcorp); PubMed 11992261 (cited by Ambry Genetics); PubMed 15985475 (cited by Ambry Genetics); PubMed 15987685 (cited by Ambry Genetics and Women's Health and Genetics/Laboratory Corporation of America, LabCorp); PubMed 18470943 (cited by Women's Health and Genetics/Laboratory Corporation of America, LabCorp); PubMed 20308328 (cited by Women's Health and Genetics/Laboratory Corporation of America, LabCorp); PubMed 15928039 (cited by Laboratory for Molecular Medicine, Mass General Brigham Personalized Medicine).